The following is an entry in ClinVar:

ClinVar aggregate classification (germline): Uncertain significance. Review status: criteria provided, multiple submitters, no conflicts (2 of 4 stars). 2 submissions from 2 submitters: Uncertain significance (2). Last evaluated 2025-11-18.

Conditions:
Cardiomyopathy (CMYO). Also called: Cardiomyopathies. Identifiers: Orphanet 167848, MedGen C0878544, MONDO:0004994, HP:0001638. Inheritance: Various modes of inheritance.
Hypertrophic cardiomyopathy. Also called: HYPERTROPHIC MYOCARDIOPATHY. Identifiers: Orphanet 217569, MedGen C0007194, MeSH D002312, MONDO:0005045, HP:0001639.

gnomAD v4.1: 1 of 1,511,060 alleles (0.000066%); highest among the groups gnomAD compares: Non-Finnish European, 0.000089%; no homozygotes.

Submissions (2):

Color Diagnostics, LLC DBA Color Health
Classification: Uncertain significance for Cardiomyopathy. Last evaluated: 2025-11-18. Review status: criteria provided, single submitter. Criteria: ACMG Guidelines, 2015. Collection method: clinical testing. Allele origin: germline.
Comment: This missense variant replaces glutamine with proline at codon 404 of the MYBPC3 protein. Computational prediction suggests that this variant may not impact protein structure and function. To our knowledge, functional studies have not been reported for this variant. This variant has not been reported in individuals affected with MYBPC3-related disorders in the literature. This variant has been identified in 1/1511060 chromosomes in the general population by the Genome Aggregation Database (gnomAD). The available evidence is insufficient to determine the role of this variant in disease conclusively. Therefore, this variant is classified as a Variant of Uncertain Significance.

Labcorp Genetics (formerly Invitae), Labcorp
Classification: Uncertain significance for Hypertrophic cardiomyopathy. Last evaluated: 2025-11-05. Review status: criteria provided, single submitter. Criteria: Invitae Variant Classification Sherloc (09022015). Collection method: clinical testing. Allele origin: germline.
Comment: This sequence change replaces glutamine, which is neutral and polar, with proline, which is neutral and non-polar, at codon 404 of the MYBPC3 protein (p.Gln404Pro). This variant is present in population databases (rs769985511, gnomAD 0.001%). This variant has not been reported in the literature in individuals affected with MYBPC3-related conditions. An algorithm developed to predict the effect of missense changes on protein structure and function (PolyPhen-2) suggests that this variant is likely to be disruptive. In summary, the available evidence is currently insufficient to determine the role of this variant in disease. Therefore, it has been classified as a Variant of Uncertain Significance.

NM_000256.3(MYBPC3):c.1211A>C (p.Gln404Pro)

Gene: MYBPC3 (myosin binding protein C3; minus strand). Cytogenetic location: 11p11.2.
Variant type: single nucleotide variant.
Coding change: c.1211A>C on transcript NM_000256.3 (MANE Select); coding-DNA position 1211, A replaced by C.
Protein change: p.Gln404Pro; replaces glutamine 404 with proline.
Molecular consequence: missense variant.
Genome position (GRCh38, 1-based): chr11:47,343,504, T>G on the plus strand (A>C on the coding strand, the complement: MYBPC3 is on the minus strand). VCF-style: chr11-47343504-T-G. GRCh37 (hg19) VCF-style: chr11-47365055-T-G.
Other names: short protein forms Q404P.
Identifiers: ClinVar variation 4759158 (VCV004759158.2).